The following is an entry in ClinVar:

ClinVar aggregate classification (germline): Uncertain significance. Review status: criteria provided, multiple submitters, no conflicts (2 of 4 stars). 3 submissions from 3 submitters: Uncertain significance (3). Last evaluated 2023-04-11.

Conditions:
Inborn genetic diseases. Identifiers: MedGen C0950123, MeSH D030342.
Hereditary spastic paraplegia 47. Also called: CEREBRAL PALSY, SPASTIC QUADRIPLEGIC, 5; adaptor protein 4 (AP-4) deficiency syndrome; Spastic paraplegia 47, autosomal recessive. Identifiers: Orphanet 280763, MedGen C3279738, MONDO:0013551, OMIM 614066.

Submissions (3):

Genome-Nilou Lab
Classification: Uncertain significance for Hereditary spastic paraplegia 47. Last evaluated: 2023-04-11. Review status: criteria provided, single submitter. Criteria: ACMG Guidelines, 2015. Collection method: clinical testing. Allele origin: germline. Affected: no.

Women's Health and Genetics/Laboratory Corporation of America, LabCorp
Classification: Uncertain significance. Last evaluated: 2019-09-16. Review status: criteria provided, single submitter. Criteria: LabCorp Variant Classification Summary - May 2015. Collection method: clinical testing. Allele origin: germline.
Comment: Variant summary: AP4B1 c.-2_4delinsGCCA (NA) alters the initiation codon and is predicted to result either in absence of the protein or truncation of the encoded protein due to translation initiation at a downstream codon. The variant was absent in 251448 control chromosomes (gnomAD). To our knowledge, no occurrence of c.-2_4delinsGCCA in individuals affected with Spastic paraplegia 47, autosomal recessive and no experimental evidence demonstrating its impact on protein function have been reported. One clinical diagnostic laboratory has submitted clinical-significance assessments for this variant to ClinVar after 2014 without evidence for independent evaluation, and classified the variant as uncertain significance. Based on the evidence outlined above, the variant was classified as VUS-possibly pathogenic.

Ambry Genetics
Classification: Uncertain significance for Inborn genetic diseases. Last evaluated: 2016-12-12. Review status: criteria provided, single submitter. Criteria: Ambry Variant Classification Scheme 2023. Collection method: clinical testing. Allele origin: germline.
Comment: The c.-2_4delAGATGCinsGCCA variant (also known as p.M1?) is located in 5'UTR to coding exon 1 of the AP4B1 gene and results from a replacement of AGATGC with GCCA at nucleotide positions -2 to 4. This alters the methionine residue at the initiation codon (ATG). Variations that modify the initiation codon are expected to result in either loss of translation initiation, N-terminal truncation, or cause a shift in the mRNA reading frame; however there is methionine at amino acid position 40, which might be used as alternative initiation site. In addition, the significance of the N-terminus for this protein is not well established. Since supporting evidence is limited at this time, the clinical significance of this variant remains unclear.

NM_001253852.3(AP4B1):c.-2_4delinsGCCA (p.Met1fs)

Genes: AP4B1 (adaptor related protein complex 4 subunit beta 1; minus strand), DCLRE1B (DNA cross-link repair 1B; plus strand), LOC129931235 (ATAC-STARR-seq lymphoblastoid active region 1540; plus strand). Cytogenetic location: 1p13.2.
Variant type: Indel.
Coding change: c.-2_4delinsGCCA on transcript NM_001253852.3 (MANE Select); 2 bases upstream of the start codon through coding-DNA position 4, AGATGC replaced by GCCA.
Protein change: p.Met1fs; shifts the reading frame from methionine 1.
Molecular consequence: frameshift variant, initiator codon variant. On other transcripts: 5 prime UTR variant (1), intron variant (1).
Genome position (GRCh38, 1-based): chr1:113,904,714-113,904,719, GCATCT replaced by TGGC on the plus strand (AGATGC replaced by GCCA on the coding strand, the reverse complement: AP4B1 is on the minus strand). VCF-style: chr1-113904714-GCATCT-TGGC. GRCh37 (hg19) VCF-style: chr1-114447336-GCATCT-TGGC.
Other names: c.-171_-166delinsGCCA (NM_001253853.3); c.-2_4delinsGCCA, p.Met1fs (NM_001308312.2, NM_001437822.1, NM_001438373.1 and 7 more transcripts); c.-331+6_-331+11delinsTGGC (NM_001319947.2); short protein forms M1fs.
Identifiers: ClinVar variation 588537 (VCV000588537.9), dbSNP rs1558100393, ClinGen allele CA891842453.